The following is an entry in ClinVar:

ClinVar aggregate classification (germline): Uncertain significance. Review status: criteria provided, multiple submitters, no conflicts (2 of 4 stars). 2 submissions from 2 submitters: Uncertain significance (2). Last evaluated 2022-10-30.

Conditions:
Familial thoracic aortic aneurysm and aortic dissection (TAAD). Also called: Thoracic aortic aneurysms and dissections. Identifiers: Orphanet 91387, MedGen C4707243, MONDO:0019625.
Aortic aneurysm, familial thoracic 7 (AAT7). Also called: AORTIC DISSECTION, FAMILIAL, WITH OR WITHOUT AORTIC ANEURYSM. Identifiers: MedGen C3151077, MONDO:0013418, OMIM 613780.

Allele frequency attached by ClinVar (database versions not stated): gnomAD below 0.00001 and 0.00002; gnomAD exomes 0.00002.
gnomAD v4.1: 32 of 1,612,290 alleles (0.002%); highest among the groups gnomAD compares: South Asian, 0.034%; no homozygotes.

Submissions (2):

Ambry Genetics
Classification: Uncertain significance for Familial thoracic aortic aneurysm and aortic dissection. Last evaluated: 2022-10-30. Review status: criteria provided, single submitter. Criteria: Ambry Variant Classification Scheme 2023. Collection method: clinical testing. Allele origin: germline.
Comment: The p.A855V variant (also known as c.2564C>T), located in coding exon 15 of the MYLK gene, results from a C to T substitution at nucleotide position 2564. The alanine at codon 855 is replaced by valine, an amino acid with similar properties. This amino acid position is not well conserved in available vertebrate species, and valine is the reference amino acid in other vertebrate species. In addition, this alteration is predicted to be tolerated by in silico analysis. Since supporting evidence is limited at this time, the clinical significance of this alteration remains unclear.

Illumina Laboratory Services, Illumina
Classification: Uncertain significance for Aortic aneurysm, familial thoracic 7. Last evaluated: 2018-01-12. Review status: criteria provided, single submitter. Criteria: ICSL Variant Classification Criteria 13 December 2019. Collection method: clinical testing. Allele origin: germline.

NM_053025.4(MYLK):c.2564C>T (p.Ala855Val)

Gene: MYLK (myosin light chain kinase; minus strand). Cytogenetic location: 3q21.1.
Variant type: single nucleotide variant.
Coding change: c.2564C>T on transcript NM_053025.4 (MANE Select); coding-DNA position 2564, C replaced by T.
Protein change: p.Ala855Val; replaces alanine 855 with valine.
Molecular consequence: missense variant.
Genome position (GRCh38, 1-based): chr3:123,700,904, G>A on the plus strand (C>T on the coding strand, the complement: MYLK is on the minus strand). VCF-style: chr3-123700904-G-A. GRCh37 (hg19) VCF-style: chr3-123419751-G-A.
Other names: c.2036C>T, p.Ala679Val (NM_001321309.2); c.2357C>T, p.Ala786Val (NM_053026.4, NM_053028.4); c.2564C>T, p.Ala855Val (NM_053027.4); short protein forms A855V, A679V, A786V.
Identifiers: ClinVar variation 342889 (VCV000342889.7), dbSNP rs886057863, ClinGen allele CA10614649.
Genomic context (GRCh38, chr3:123,700,904, plus strand): 5'-CTCTTCAGCACCCCTCGCACGTCCTCGCCGTCTTCCTCCTCTAGCCAACCCTGCCCTCTT[G>A]CTGGCCAGCCAGGCCTCAGGGACCCATAGCGGTCACTACCACCACCATCAGCACCAACTC-3'
Protein context (NP_444253.3, residues 845-865): RYGSLRPGWP[Ala855Val]RGQGWLEEED